The following is an entry in ClinVar:

NM_015466.4(PTPN23):c.2249del (p.Pro750fs)

Gene: PTPN23 (protein tyrosine phosphatase non-receptor type 23; plus strand). Cytogenetic location: 3p21.31.
Variant type: Deletion.
Coding change: c.2249del on transcript NM_015466.4 (MANE Select); coding-DNA position 2249, one base deleted (C; older notation c.2249delC).
Protein change: p.Pro750fs; shifts the reading frame from proline 750.
Molecular consequence: frameshift variant.
Genome position (GRCh38, 1-based): chr3:47,410,047, C deleted; the last of 6 consecutive C bases (chr3:47,410,042-47,410,047); deleting any one gives the same sequence. VCF-style (leftmost placement, unchanged base first): chr3-47410041-TC-T. GRCh37 (hg19) VCF-style: chr3-47451531-TC-T.
Other names: c.1871del, p.Pro624fs (NM_001304482.2); short protein forms P624fs, P750fs.
Identifiers: ClinVar variation 5002721 (VCV005002721.1).
Genomic context (GRCh38, chr3:47,410,041, plus strand): 5'-CCCGCAGGGAGGAGAGTGAGGCAGTGGAAGCAGGAGACCCCCCTGAGGAGCTGCGCAGCC[TC>T]CCCCCTGACATGGTGGCTGGCCCACGACTGCCTGACACCTTCCTGGGAAGTGCCACCCCG-3'

ClinVar aggregate classification (germline): Likely pathogenic (1 of 4 stars; one submission).

Conditions:
Neurodevelopmental disorder and structural brain anomalies with or without seizures and spasticity. Identifiers: MedGen C5394423, MONDO:0030046, OMIM 618890.

Submission:

OLLIN Analises Genomicas, OLLIN
Classification: Likely pathogenic for Neurodevelopmental disorder and structural brain anomalies with or without seizures and spasticity. Last evaluated: 2026-08-06. Review status: criteria provided, single submitter. Criteria: ACMG Guidelines 2015 PMID 25741868. Collection method: clinical testing. Allele origin: germline.
Comment: This frameshift variant, located in exon 20 (of 25), has been observed in gnomAD with an allele frequency of 0.000062%, but has not been reported in ClinVar or identified in the literature. This variant causes a frameshift and introduces a premature stop codon, which is predicted to result in either a truncated protein or degradation of the mRNA via nonsense-mediated decay (NMD). According to the currently available evidence, this variant has been classified as likely pathogenic (PVS1, PM2_P).